The following is an entry in ClinVar:

NM_014159.7(SETD2):c.5636G>A (p.Arg1879His)

Gene: SETD2 (SET domain containing 2, histone lysine methyltransferase; minus strand). Cytogenetic location: 3p21.31.
Variant type: single nucleotide variant.
Coding change: c.5636G>A on transcript NM_014159.7 (MANE Select); coding-DNA position 5636, G replaced by A.
Protein change: p.Arg1879His; replaces arginine 1879 with histidine.
Molecular consequence: missense variant. On other transcripts: non-coding transcript variant (1).
Genome position (GRCh38, 1-based): chr3:47,084,144, C>T on the plus strand (G>A on the coding strand, the complement: SETD2 is on the minus strand). VCF-style: chr3-47084144-C-T. GRCh37 (hg19) VCF-style: chr3-47125634-C-T.
Other names: c.5504G>A, p.Arg1835His (NM_001349370.3); short protein forms R1835H, R1879H.
Identifiers: ClinVar variation 1977630 (VCV001977630.5), dbSNP rs1357325164, ClinGen allele CA352535490.
Genomic context (GRCh38, chr3:47,084,144, plus strand): 5'-TCACTGGTTGCATCAGAGATTGCACTGTCCATGCTATTTTCACTTATAATTTTCAGTCTG[C>T]GAAACATTAGTTTCTTGGGAGTGTCTGTGTCAGCTTCTGTGCTCAGCTTGGTGGAAGGAT-3'
Protein context (NP_054878.5, residues 1869-1889): DTDTPKKLMF[Arg1879His]RLKIISENSM

ClinVar aggregate classification (germline): Uncertain significance (1 of 4 stars; one submission).

Conditions:
Luscan-Lumish syndrome. Identifiers: Orphanet 597738, MedGen C4085873, MONDO:0014791, OMIM 616831.

Allele frequency attached by ClinVar (database versions not stated): gnomAD exomes below 0.00001; TOPMed 0.00001.
gnomAD v4.1: 3 of 1,614,058 alleles (0.00019%); highest among the groups gnomAD compares: Non-Finnish European, 0.00025%; no homozygotes.

Submission:

Labcorp Genetics (formerly Invitae), Labcorp
Classification: Uncertain significance for Luscan-Lumish syndrome. Last evaluated: 2022-08-24. Review status: criteria provided, single submitter. Criteria: Invitae Variant Classification Sherloc (09022015). Collection method: clinical testing. Allele origin: germline.
Comment: This sequence change replaces arginine, which is basic and polar, with histidine, which is basic and polar, at codon 1879 of the SETD2 protein (p.Arg1879His). This variant is present in population databases (no rsID available, gnomAD 0.0009%). This variant has not been reported in the literature in individuals affected with SETD2-related conditions. Algorithms developed to predict the effect of missense changes on protein structure and function are either unavailable or do not agree on the potential impact of this missense change (SIFT: "Deleterious"; PolyPhen-2: "Possibly Damaging"; Align-GVGD: "Class C0"). In summary, the available evidence is currently insufficient to determine the role of this variant in disease. Therefore, it has been classified as a Variant of Uncertain Significance.